The following is an entry in ClinVar:

NM_018896.5(CACNA1G):c.3434G>C (p.Ser1145Thr)

Gene: CACNA1G (calcium voltage-gated channel subunit alpha1 G; plus strand). Cytogenetic location: 17q21.33.
Variant type: single nucleotide variant.
Coding change: c.3434G>C on transcript NM_018896.5 (MANE Select); coding-DNA position 3434, G replaced by C.
Protein change: p.Ser1145Thr; replaces serine 1145 with threonine.
Molecular consequence: missense variant. On other transcripts: non-coding transcript variant (5).
Genome position (GRCh38, 1-based): chr17:50,599,603, G>C. VCF-style: chr17-50599603-G-C. GRCh37 (hg19) VCF-style: chr17-48676964-G-C.
Other names: c.3434G>C, p.Ser1145Thr (NM_001256324.2, NM_001256325.2, NM_001256326.2 and 16 more transcripts); c.3365G>C, p.Ser1122Thr (NM_001256332.2, NM_198376.3, NM_198379.3 and 5 more transcripts); short protein forms S1122T, S1145T.
Identifiers: ClinVar variation 3348291 (VCV003348291.1).

ClinVar aggregate classification (germline): Uncertain significance (0 of 4 stars; one submission).

Conditions:
CACNA1G-related disorder. Also called: CACNA1G-related disorders; CACNA1G-related condition.

gnomAD v4.1: 2 of 1,613,254 alleles (0.00012%); highest among the groups gnomAD compares: Admixed American, 0.0033%; no homozygotes.

Submission:

PreventionGenetics, part of Exact Sciences
Classification: Uncertain significance for CACNA1G-related condition. Last evaluated: 2024-01-11. Review status: no assertion criteria provided. Collection method: clinical testing. Allele origin: germline.
Comment: The CACNA1G c.3434G>C variant is predicted to result in the amino acid substitution p.Ser1145Thr. To our knowledge, this variant has not been reported in the literature. This variant is reported in 0.0029% of alleles in individuals of Latino descent in gnomAD. At this time, the clinical significance of this variant is uncertain due to the absence of conclusive functional and genetic evidence.